The following is an entry in ClinVar:

ClinVar aggregate classification (germline): Uncertain significance. Review status: criteria provided, multiple submitters, no conflicts (2 of 4 stars). 2 submissions from 2 submitters: Uncertain significance (2). Last evaluated 2025-02-18.

Conditions:
Hereditary cancer-predisposing syndrome. Also called: Tumor predisposition; Hereditary Cancer Syndrome; Hereditary neoplastic syndrome; Neoplastic Syndromes, Hereditary. Identifiers: Orphanet 140162, MedGen C0027672, MeSH D009386, MONDO:0015356.
Rhabdoid tumor predisposition syndrome 2 (RTPS2). Identifiers: Orphanet 231108, Orphanet 69077, MedGen C2750074, MONDO:0013224, OMIM 613325.

Allele frequency attached by ClinVar (database versions not stated): gnomAD exomes below 0.00001.
gnomAD v4.1: 1 of 1,614,108 alleles (0.000062%); highest among the groups gnomAD compares: Non-Finnish European, 0.000085%; no homozygotes.

Submissions (2):

Labcorp Genetics (formerly Invitae), Labcorp
Classification: Uncertain significance for Rhabdoid tumor predisposition syndrome 2. Last evaluated: 2025-02-18. Review status: criteria provided, single submitter. Criteria: Invitae Variant Classification Sherloc (09022015). Collection method: clinical testing. Allele origin: germline.
Comment: This sequence change replaces serine, which is neutral and polar, with cysteine, which is neutral and slightly polar, at codon 492 of the SMARCA4 protein (p.Ser492Cys). This variant is not present in population databases (gnomAD no frequency). This variant has not been reported in the literature in individuals affected with SMARCA4-related conditions. ClinVar contains an entry for this variant (Variation ID: 1471403). Invitae Evidence Modeling of protein sequence and biophysical properties (such as structural, functional, and spatial information, amino acid conservation, physicochemical variation, residue mobility, and thermodynamic stability) has been performed for this missense variant. However, the output from this modeling did not meet the statistical confidence thresholds required to predict the impact of this variant on SMARCA4 protein function. In summary, the available evidence is currently insufficient to determine the role of this variant in disease. Therefore, it has been classified as a Variant of Uncertain Significance.

Ambry Genetics
Classification: Uncertain significance for Hereditary cancer-predisposing syndrome. Last evaluated: 2023-11-20. Review status: criteria provided, single submitter. Criteria: Ambry Variant Classification Scheme 2023. Collection method: clinical testing. Allele origin: germline.
Comment: The p.S492C variant (also known as c.1475C>G), located in coding exon 8 of the SMARCA4 gene, results from a C to G substitution at nucleotide position 1475. The serine at codon 492 is replaced by cysteine, an amino acid with dissimilar properties. This amino acid position is highly conserved in available vertebrate species. In addition, this alteration is predicted to be tolerated by in silico analysis. Missense and in-frame variants in SMARCA4 are known to cause neurodevelopmental disorders; however, such associations with rhabdoid tumor predisposition syndrome including small cell carcinoma of the ovary-hypercalcemic type (SCCOHT) are exceedingly rare (Kosho T et al. Am J Med Genet C Semin Med Genet. 2014 Sep;166C(3):262-75; Jelinic P et al. Nat Genet. 2014 May;46(5):424-6). Based on the supporting evidence, the association of this alteration with Coffin-Siris syndrome is unknown; however, the association of this alteration with rhabdoid tumor predisposition syndrome is unlikely.

NM_003072.5(SMARCA4):c.1475C>G (p.Ser492Cys)

Gene: SMARCA4 (SWI/SNF related BAF chromatin remodeling complex subunit ATPase 4; plus strand). Cytogenetic location: 19p13.2.
Variant type: single nucleotide variant.
Coding change: c.1475C>G on transcript NM_003072.5 (MANE Select); coding-DNA position 1475, C replaced by G.
Protein change: p.Ser492Cys; replaces serine 492 with cysteine.
Molecular consequence: missense variant. On other transcripts: non-coding transcript variant (1).
Genome position (GRCh38, 1-based): chr19:10,994,883, C>G. VCF-style: chr19-10994883-C-G. GRCh37 (hg19) VCF-style: chr19-11105559-C-G.
Other names: c.1475C>G, p.Ser492Cys (NM_001128844.3, NM_001128845.2, NM_001128846.2 and 5 more transcripts); c.1475C>G (NM_001128849.1); short protein forms S492C.
Identifiers: ClinVar variation 1471403 (VCV001471403.9), dbSNP rs2145938942, ClinGen allele CA404062073.